The following is an entry in ClinVar:

ClinVar aggregate classification (germline): Conflicting classifications of pathogenicity. Review status: criteria provided, conflicting classifications (1 of 4 stars). 5 submissions from 5 submitters: Uncertain significance (3); Likely benign (2). Last evaluated 2023-12-22.

Conditions:
Hereditary cancer-predisposing syndrome. Also called: Hereditary neoplastic syndrome; Hereditary Cancer Syndrome; Neoplastic Syndromes, Hereditary; Tumor predisposition. Identifiers: Orphanet 140162, MedGen C0027672, MeSH D009386, MONDO:0015356.
Hereditary breast ovarian cancer syndrome. Also called: BRCA1- and BRCA2-Associated Hereditary Breast and Ovarian Cancer; Hereditary breast and ovarian cancer syndrome; Hereditary breast and ovarian cancer; Hereditary breast and ovarian cancer syndrome (HBOC); Breast and ovarian cancer; Hereditary breast and/or ovarian cancer syndrome. Identifiers: Orphanet 145, MedGen C0677776, MeSH D061325, MONDO:0003582. Disease mechanism: loss of function.

Allele frequency attached by ClinVar (database versions not stated): gnomAD exomes below 0.00001.
gnomAD v4.1: 4 of 1,607,330 alleles (0.00025%); highest among the groups gnomAD compares: Non-Finnish European, 0.00034%; no homozygotes.

Submissions (5):

Labcorp Genetics (formerly Invitae), Labcorp
Classification: Likely benign for Hereditary breast ovarian cancer syndrome. Last evaluated: 2023-12-22. Review status: criteria provided, single submitter. Criteria: Invitae Variant Classification Sherloc (09022015). Collection method: clinical testing. Allele origin: germline.

Ambry Genetics
Classification: Uncertain significance for Hereditary cancer-predisposing syndrome. Last evaluated: 2023-09-12. Review status: criteria provided, single submitter. Criteria: Ambry Variant Classification Scheme 2023. Collection method: clinical testing. Allele origin: germline.
Comment: The p.L428V variant (also known as c.1282C>G), located in coding exon 9 of the BRCA2 gene, results from a C to G substitution at nucleotide position 1282. The leucine at codon 428 is replaced by valine, an amino acid with highly similar properties. This amino acid position is not well conserved in available vertebrate species. In addition, this alteration is predicted to be tolerated by in silico analysis. Since supporting evidence is limited at this time, the clinical significance of this alteration remains unclear.

University of Washington Department of Laboratory Medicine, University of Washington
Classification: Likely benign for Hereditary cancer-predisposing syndrome. Last evaluated: 2023-03-23. Review status: criteria provided, single submitter. Criteria: Dines et al. (Genet Med. 2020). Collection method: curation. Allele origin: germline.
Comment: Missense variant in a coldspot region where missense variants are very unlikely to be pathogenic (PMID:31911673).

BRCA2 exon 10 coldspot. Reclassification based on statistical prior probability.

Color Diagnostics, LLC DBA Color Health
Classification: Uncertain significance for Hereditary cancer-predisposing syndrome. Last evaluated: 2019-05-30. Review status: criteria provided, single submitter. Criteria: ACMG Guidelines, 2015. Collection method: clinical testing. Allele origin: germline.

Quest Diagnostics Nichols Institute San Juan Capistrano
Classification: Uncertain significance. Last evaluated: 2018-10-23. Review status: criteria provided, single submitter. Criteria: Quest Diagnostics criteria. Collection method: clinical testing. Allele origin: germline.

NM_000059.4(BRCA2):c.1282C>G (p.Leu428Val)

Gene: BRCA2 (BRCA2 DNA repair associated; plus strand). Cytogenetic location: 13q13.1.
Variant type: single nucleotide variant.
Coding change: c.1282C>G on transcript NM_000059.4 (MANE Select); coding-DNA position 1282, C replaced by G.
Protein change: p.Leu428Val; replaces leucine 428 with valine.
Molecular consequence: missense variant.
Genome position (GRCh38, 1-based): chr13:32,332,760, C>G. VCF-style: chr13-32332760-C-G. GRCh37 (hg19) VCF-style: chr13-32906897-C-G.
Other names: short protein forms L428V.
Identifiers: ClinVar variation 236831 (VCV000236831.18), dbSNP rs547590567, ClinGen allele CA10583073.